The following is an entry in ClinVar:

ClinVar aggregate classification (germline): Uncertain significance (1 of 4 stars; one submission).

Conditions:
Ataxia-telangiectasia syndrome (AT). Also called: LOUIS-BAR SYNDROME; Cerebello-oculocutaneous telangiectasia; Immunodeficiency with ataxia telangiectasia; Ataxia telangiectasia (A-T); Ataxia-telangiectasia, complementation group D; AT, COMPLEMENTATION GROUP C. Identifiers: Orphanet 100, MedGen C0004135, MONDO:0008840, OMIM 208900.

Submission:

Labcorp Genetics (formerly Invitae), Labcorp
Classification: Uncertain significance for Ataxia-telangiectasia syndrome. Last evaluated: 2023-02-28. Review status: criteria provided, single submitter. Criteria: Invitae Variant Classification Sherloc (09022015). Collection method: clinical testing. Allele origin: germline.
Comment: In summary, the available evidence is currently insufficient to determine the role of this variant in disease. Therefore, it has been classified as a Variant of Uncertain Significance. An algorithm developed to predict the effect of missense changes on protein structure and function (PolyPhen-2) suggests that this variant is likely to be disruptive. This sequence change replaces aspartic acid, which is acidic and polar, with valine, which is neutral and non-polar, at codon 2672 of the ATM protein (p.Asp2672Val). This variant is not present in population databases (gnomAD no frequency). This variant has not been reported in the literature in individuals affected with ATM-related conditions.

NM_000051.4(ATM):c.8015A>T (p.Asp2672Val)

Genes: ATM (ATM serine/threonine kinase; plus strand), C11orf65 (chromosome 11 open reading frame 65; minus strand). Cytogenetic location: 11q22.3.
Variant type: single nucleotide variant.
Coding change: c.8015A>T on transcript NM_000051.4 (MANE Select); coding-DNA position 8015, A replaced by T.
Protein change: p.Asp2672Val; replaces aspartic acid 2672 with valine.
Molecular consequence: missense variant. On other transcripts: intron variant (2).
Genome position (GRCh38, 1-based): chr11:108,334,973, A>T. VCF-style: chr11-108334973-A-T. GRCh37 (hg19) VCF-style: chr11-108205700-A-T.
Other names: c.8015A>T, p.Asp2672Val (NM_001351834.2); c.641-25902T>A (NM_001330368.2); c.*38+247T>A (NM_001351110.2); short protein forms D2672V.
Identifiers: ClinVar variation 2834503 (VCV002834503.3), dbSNP rs763161651, ClinGen allele CA382561842.